The following is an entry in ClinVar:

NM_006618.5(KDM5B):c.4152A>C (p.Ser1384=)

Gene: KDM5B (lysine demethylase 5B; minus strand). Cytogenetic location: 1q32.1.
Variant type: single nucleotide variant.
Coding change: c.4152A>C on transcript NM_006618.5 (MANE Select); coding-DNA position 4152, A replaced by C.
Protein change: p.Ser1384=; no amino-acid change (serine 1384 retained).
Molecular consequence: synonymous variant.
Genome position (GRCh38, 1-based): chr1:202,730,933, T>G on the plus strand (A>C on the coding strand, the complement: KDM5B is on the minus strand). VCF-style: chr1-202730933-T-G. GRCh37 (hg19) VCF-style: chr1-202700061-T-G.
Other names: c.4260A>C, p.Ser1420= (NM_001314042.2); c.4017A>C, p.Ser1339= (NM_001347591.2); c.4137A>C, p.Ser1379= (NM_001399817.1).
Identifiers: ClinVar variation 3026447 (VCV003026447.22), dbSNP rs2527394421, ClinGen allele CA422584037.

ClinVar aggregate classification (germline): Likely benign (1 of 4 stars; one submission).

Submission:

CeGaT Center for Human Genetics Tuebingen
Classification: Likely benign. Last evaluated: 2023-12-01. Review status: criteria provided, single submitter. Criteria: CeGaT Center For Human Genetics Tuebingen Variant Classification Criteria Version 2. Collection method: clinical testing. Allele origin: germline. Affected: yes. Observed: 1 variant allele.
Comment: KDM5B: PM2:Supporting, BP4, BP7